The following is an entry in ClinVar:

ClinVar aggregate classification (germline): Pathogenic (3 of 4 stars; one submission).

Conditions:
Deficiency of guanidinoacetate methyltransferase (CCDS2). Also called: GAMT DEFICIENCY; CEREBRAL CREATINE DEFICIENCY SYNDROME 2; Guanidinoacetate Methyltransferase (GAMT) Deficiency. Identifiers: Orphanet 382, MedGen C0574080, MONDO:0012999, OMIM 612736.

Submission:

ClinGen Cerebral Creatine Deficiency Syndromes Variant Curation Expert Panel, ClinGen
Classification: Pathogenic for Deficiency of guanidinoacetate methyltransferase. Last evaluated: 2025-12-10. Review status: reviewed by expert panel. Criteria: ClinGen CCDS ACMG Specifications GAMT V2.0.0. Collection method: curation. Allele origin: germline. Inheritance: Autosomal recessive inheritance.
Comment: The NM_000156.6:c.194T>C variant in GAMT is a missense variant that is predicted to cause the substitution of a leucine by a proline at amino acid position 65 (p.Leu65Pro). This variant has been detected in at least one individual with GAMT deficiency (Lei et al. Journal of Clinical Pediatrics, 2024, 42(12): 1039-1046), who was compound heterozygous for the variant and a pathogenic or likely pathogenic variant, c.467C>A (p.Ala156Asp), which was confirmed in trans by parental testing. This occurrence was not counted for PM3 evidence as it was used for PM3 evidence for the c.467C>A (p.Ala156Asp) variant, thereby preventing circularity. The individual with this variant (Lei et al. Journal of Clinical Pediatrics, 2024, 42(12): 1039-1046) had elevated GAA and low or low normal creatine in urine and significantly decreased creatine peak (GAA not reported) on brain MRS (4 points; PP4_Strong). The highest population minor allele frequency in gnomAD v4.1.0. is 8.49e-7 (1/1178058 alleles) in the European non-Finnish population, which is lower than the ClinGen CCDS VCEP’s threshold for PM2_Supporting (<0.0004), meeting this criterion (PM2_Supporting). The computational predictor REVEL gives a score of 0.981 which is above the threshold of 0.932, evidence that correlates with impact to GAMT function at the strong level (PMID: 36413997) (PP3_Strong). There is no ClinVar entry for this variant. In summary, this variant meets the criteria to be classified as pathogenic for GAMT deficiency based on the GAMT-specific ACMG/AMP criteria applied, as specified by the ClinGen Cerebral Creatine Deficiency Syndromes Variant Curation Expert Panel (Specifications Version 2.0.0): PP4_Strong, PP3_Strong, PM2_Supporting. (Classification approved by the ClinGen Cerebral Creatine Deficiency Syndromes Variant Curation Expert Panel on December 10, 2025)

NM_000156.6(GAMT):c.194T>C (p.Leu65Pro)

Gene: GAMT (guanidinoacetate N-methyltransferase; minus strand). Cytogenetic location: 19p13.3.
Variant type: single nucleotide variant.
Coding change: c.194T>C on transcript NM_000156.6 (MANE Select); coding-DNA position 194, T replaced by C.
Protein change: p.Leu65Pro; replaces leucine 65 with proline.
Molecular consequence: missense variant.
Genome position (GRCh38, 1-based): chr19:1,399,926, A>G on the plus strand (T>C on the coding strand, the complement: GAMT is on the minus strand). VCF-style: chr19-1399926-A-G. GRCh37 (hg19) VCF-style: chr19-1399925-A-G.
Other names: NM_138924.3:c.194T>C; c.194T>C, p.Leu65Pro (NM_138924.3); short protein forms L65P.
Identifiers: ClinVar variation 4537499 (VCV004537499.1).